The following is an entry in ClinVar:

NM_005732.4(RAD50):c.1571A>G (p.Glu524Gly)

Gene: RAD50 (RAD50 double strand break repair protein; plus strand). Cytogenetic location: 5q31.1.
Variant type: single nucleotide variant.
Coding change: c.1571A>G on transcript NM_005732.4 (MANE Select); coding-DNA position 1571, A replaced by G.
Protein change: p.Glu524Gly; replaces glutamic acid 524 with glycine.
Molecular consequence: missense variant.
Genome position (GRCh38, 1-based): chr5:132,591,342, A>G. VCF-style: chr5-132591342-A-G. GRCh37 (hg19) VCF-style: chr5-131927034-A-G.
Other names: short protein forms E524G.
Identifiers: ClinVar variation 2586243 (VCV002586243.2), dbSNP rs1580994426, ClinGen allele CA360945948.

ClinVar aggregate classification (germline): Uncertain significance (1 of 4 stars; one submission).

Conditions:
Hereditary cancer-predisposing syndrome. Also called: Hereditary neoplastic syndrome; Tumor predisposition; Hereditary Cancer Syndrome; Neoplastic Syndromes, Hereditary. Identifiers: Orphanet 140162, MedGen C0027672, MeSH D009386, MONDO:0015356.

Submission:

Ambry Genetics
Classification: Uncertain significance for Hereditary cancer-predisposing syndrome. Last evaluated: 2023-07-08. Review status: criteria provided, single submitter. Criteria: Ambry Variant Classification Scheme 2023. Collection method: clinical testing. Allele origin: germline.
Comment: The p.E524G variant (also known as c.1571A>G), located in coding exon 10 of the RAD50 gene, results from an A to G substitution at nucleotide position 1571. The glutamic acid at codon 524 is replaced by glycine, an amino acid with similar properties. This amino acid position is conserved. In addition, this alteration is predicted to be deleterious by in silico analysis. Since supporting evidence is limited at this time, the clinical significance of this alteration remains unclear.